The following is an entry in ClinVar:

ClinVar aggregate classification (germline): Conflicting classifications of pathogenicity. Review status: criteria provided, conflicting classifications (1 of 4 stars). 2 submissions from 2 submitters: Uncertain significance (1); Likely benign (1). Last evaluated 2026-01-07.

Conditions:
Hereditary cancer-predisposing syndrome. Also called: Neoplastic Syndromes, Hereditary; Tumor predisposition; Hereditary Cancer Syndrome; Hereditary neoplastic syndrome. Identifiers: Orphanet 140162, MedGen C0027672, MeSH D009386, MONDO:0015356.

Submissions (2):

Labcorp Genetics (formerly Invitae), Labcorp
Classification: Likely benign. Last evaluated: 2026-01-07. Review status: criteria provided, single submitter. Criteria: Invitae Variant Classification Sherloc (09022015). Collection method: clinical testing. Allele origin: germline.

Ambry Genetics
Classification: Uncertain significance for Hereditary cancer-predisposing syndrome. Last evaluated: 2025-12-15. Review status: criteria provided, single submitter. Criteria: Ambry Variant Classification Scheme 2023. Collection method: clinical testing. Allele origin: germline.
Comment: The c.2865-5T>C intronic variant results from a T to C substitution 5 nucleotides upstream from coding exon 25 in the POLE gene. This nucleotide position is highly conserved in available vertebrate species. In silico splice site analysis predicts that this alteration will not have any significant effect on splicing. Based on the available evidence, the clinical significance of this variant remains unclear.

NM_006231.4(POLE):c.2865-5T>C

Gene: POLE (DNA polymerase epsilon, catalytic subunit; minus strand). Cytogenetic location: 12q24.33.
Variant type: single nucleotide variant.
Coding change: c.2865-5T>C on transcript NM_006231.4 (MANE Select); 5 bases into the intron before coding-DNA position 2865, T replaced by C.
Molecular consequence: intron variant.
Genome position (GRCh38, 1-based): chr12:132,661,169, A>G on the plus strand (T>C on the coding strand, the complement: POLE is on the minus strand). VCF-style: chr12-132661169-A-G. GRCh37 (hg19) VCF-style: chr12-133237755-A-G.
Other names: c.2865-5T>C (NM_006231.2).
Identifiers: ClinVar variation 4695633 (VCV004695633.2).